The following is an entry in ClinVar:

NM_005121.3(MED13):c.4850T>C (p.Met1617Thr)

Gene: MED13 (mediator complex subunit 13; minus strand). Cytogenetic location: 17q23.2.
Variant type: single nucleotide variant.
Coding change: c.4850T>C on transcript NM_005121.3 (MANE Select); coding-DNA position 4850, T replaced by C.
Protein change: p.Met1617Thr; replaces methionine 1617 with threonine.
Molecular consequence: missense variant.
Genome position (GRCh38, 1-based): chr17:61,962,966, A>G on the plus strand (T>C on the coding strand, the complement: MED13 is on the minus strand). VCF-style: chr17-61962966-A-G. GRCh37 (hg19) VCF-style: chr17-60040327-A-G.
Other names: short protein forms M1617T.
Identifiers: ClinVar variation 5009001 (VCV005009001.1).

ClinVar aggregate classification (germline): Uncertain significance (1 of 4 stars; one submission).

Submission:

GeneDx
Classification: Uncertain significance. Last evaluated: 2026-03-11. Review status: criteria provided, single submitter. Criteria: GeneDx Variant Classification Process June 2021. Collection method: clinical testing. Allele origin: germline.
Comment: Not observed at significant frequency in large population cohorts (gnomAD); In silico analysis suggests that this missense variant does not alter protein structure/function; Has not been previously published as pathogenic or benign to our knowledge